The following is an entry in ClinVar:

NM_019032.6(ADAMTSL4):c.3161A>G (p.Tyr1054Cys)

Gene: ADAMTSL4 (ADAMTS like 4; plus strand). Cytogenetic location: 1q21.2.
Variant type: single nucleotide variant.
Coding change: c.3161A>G on transcript NM_019032.6 (MANE Select); coding-DNA position 3161, A replaced by G.
Protein change: p.Tyr1054Cys; replaces tyrosine 1054 with cysteine.
Molecular consequence: missense variant.
Genome position (GRCh38, 1-based): chr1:150,560,132, A>G. VCF-style: chr1-150560132-A-G. GRCh37 (hg19) VCF-style: chr1-150532608-A-G.
Other names: c.3044A>G, p.Tyr1015Cys (NM_001288607.2); c.3230A>G, p.Tyr1077Cys (NM_001288608.2); c.3161A>G, p.Tyr1054Cys (NM_001378596.1); short protein forms Y1015C, Y1054C, Y1077C.
Identifiers: ClinVar variation 3907149 (VCV003907149.1).

ClinVar aggregate classification (germline): Uncertain significance (1 of 4 stars; one submission).

Submission:

Women's Health and Genetics/Laboratory Corporation of America, LabCorp
Classification: Uncertain significance. Last evaluated: 2025-06-27. Review status: criteria provided, single submitter. Criteria: LabCorp Variant Classification Summary - May 2015. Collection method: clinical testing. Allele origin: germline.
Comment: Variant summary: ADAMTSL4 c.3161A>G (p.Tyr1054Cys) results in a non-conservative amino acid change in the encoded protein sequence. Algorithms developed to predict the effect of missense changes on protein structure and function are either unavailable or do not agree on the potential impact of this missense change. The variant allele was found at a frequency of 3.2e-05 in 251420 control chromosomes. The available data on variant occurrences in the general population are insufficient to allow any conclusion about variant significance. c.3161A>G has been observed in one individual affected with ADAMTSL4-Related Disorders (Ectopia lentis) (Aragon-Martin_2010). These data do not allow any conclusion about variant significance. To our knowledge, no experimental evidence demonstrating an impact on protein function has been reported. The following publication has been ascertained in the context of this evaluation (PMID: 20564469). No submitters have cited clinical-significance assessments for this variant to ClinVar. Based on the evidence outlined above, the variant was classified as uncertain significance.

Literature cited by the submitters: PubMed 20564469.